The following is an entry in ClinVar:

NM_001135651.3(EIF2AK2):c.1498G>A (p.Asp500Asn)

Gene: EIF2AK2 (eukaryotic translation initiation factor 2 alpha kinase 2; minus strand). Cytogenetic location: 2p22.2.
Variant type: single nucleotide variant.
Coding change: c.1498G>A on transcript NM_001135651.3 (MANE Select); coding-DNA position 1498, G replaced by A.
Protein change: p.Asp500Asn; replaces aspartic acid 500 with asparagine.
Molecular consequence: missense variant.
Genome position (GRCh38, 1-based): chr2:37,107,509, C>T on the plus strand (G>A on the coding strand, the complement: EIF2AK2 is on the minus strand). VCF-style: chr2-37107509-C-T. GRCh37 (hg19) VCF-style: chr2-37334652-C-T.
Other names: c.1375G>A, p.Asp459Asn (NM_001135652.3); c.1498G>A, p.Asp500Asn (NM_002759.4); short protein forms D459N, D500N.
Identifiers: ClinVar variation 2650831 (VCV002650831.24), dbSNP rs2466896675, ClinGen allele CA346295478.

ClinVar aggregate classification (germline): Uncertain significance (1 of 4 stars; one submission).

Submission:

CeGaT Center for Human Genetics Tuebingen
Classification: Uncertain significance. Last evaluated: 2023-08-01. Review status: criteria provided, single submitter. Criteria: CeGaT Center For Human Genetics Tuebingen Variant Classification Criteria Version 2. Collection method: clinical testing. Allele origin: germline. Affected: yes. Observed: 1 variant allele.
Comment: EIF2AK2: PM2, BP4